The following is an entry in ClinVar:

NM_031293.3(PMFBP1):c.2834AGA[2] (p.Lys947del)

Gene: PMFBP1 (polyamine modulated factor 1 binding protein 1; minus strand). Cytogenetic location: 16q22.2.
Variant type: Microsatellite.
Coding change: c.2834AGA[2] on transcript NM_031293.3 (MANE Select); two copies in a row of the 3-base unit AGA starting at c.2834; the reference has three copies in a row; one copy, 3 bases deleted; also written c.2840_2842del.
Protein change: p.Lys947del; deletes lysine 947.
Molecular consequence: inframe deletion.
Genome position (GRCh38, 1-based): chr16:72,120,016-72,120,018, TCT deleted on the plus strand (AGA on the coding strand, the reverse complement: PMFBP1 is on the minus strand); deleting any 3 consecutive bases within chr16:72,120,016-72,120,024 gives the same sequence; the position shown is the placement nearest the transcript's 3' end. VCF-style (leftmost placement, unchanged base first): chr16-72120015-ATCT-A. GRCh37 (hg19) VCF-style: chr16-72153914-ATCT-A.
Other names: c.2840_2842del (NM_031293.3); c.2459AGA[2], p.Lys822del (NM_001160213.2); short protein forms K947del, K822del.
Identifiers: ClinVar variation 5005635 (VCV005005635.2).

ClinVar aggregate classification (germline): Uncertain significance (1 of 4 stars; one submission).

Conditions:
Spermatogenic failure 31. Identifiers: MedGen C4748234, MONDO:0020852, OMIM 618112.

Submission:

Juno Genomics, Hangzhou Juno Genomics, Inc
Classification: Uncertain significance for Spermatogenic failure 31. Review status: criteria provided, single submitter. Criteria: ACMG Guidelines, 2015. Collection method: clinical testing. Allele origin: germline.
Comment: Protein length changes due to in-frame deletions/insertions in a non-repeat region or stop-loss variants.;Absent from controls (or at extremely low frequency if recessive) in Genome Aggregation Database.